The following is an entry in ClinVar:

NM_170707.4(LMNA):c.254T>A (p.Leu85His)

Gene: LMNA (lamin A/C; plus strand). Cytogenetic location: 1q22.
Variant type: single nucleotide variant.
Coding change: c.254T>A on transcript NM_170707.4 (MANE Select); coding-DNA position 254, T replaced by A.
Protein change: p.Leu85His; replaces leucine 85 with histidine.
Molecular consequence: missense variant.
Genome position (GRCh38, 1-based): chr1:156,115,172, T>A. VCF-style: chr1-156115172-T-A. GRCh37 (hg19) VCF-style: chr1-156084963-T-A.
Other names: c.254T>A, p.Leu85His (NM_001282625.2, NM_001282626.2, NM_005572.4 and 1 more transcripts); short protein forms L85H.
Identifiers: ClinVar variation 242004 (VCV000242004.8), dbSNP rs28933090, ClinGen allele CA10581727.

ClinVar aggregate classification (germline): Likely pathogenic (1 of 4 stars; one submission).

Conditions:
Charcot-Marie-Tooth disease type 2. Also called: Charcot-Marie-Tooth type 2. Identifiers: Orphanet 64746, MedGen C0270914, MONDO:0018993.

Submission:

Labcorp Genetics (formerly Invitae), Labcorp
Classification: Likely pathogenic for Charcot-Marie-Tooth disease type 2. Last evaluated: 2022-11-29. Review status: criteria provided, single submitter. Criteria: Invitae Variant Classification Sherloc (09022015). Collection method: clinical testing. Allele origin: germline.
Comment: This variant is not present in population databases (gnomAD no frequency). In summary, the currently available evidence indicates that the variant is pathogenic, but additional data are needed to prove that conclusively. Therefore, this variant has been classified as Likely Pathogenic. This variant disrupts the p.Leu85 amino acid residue in LMNA. Other variant(s) that disrupt this residue have been determined to be pathogenic (PMID: 10580070, 11792809, 11792810, 17107595). This suggests that this residue is clinically significant, and that variants that disrupt this residue are likely to be disease-causing. Advanced modeling of protein sequence and biophysical properties (such as structural, functional, and spatial information, amino acid conservation, physicochemical variation, residue mobility, and thermodynamic stability) performed at Invitae indicates that this missense variant is expected to disrupt LMNA protein function. ClinVar contains an entry for this variant (Variation ID: 242004). This missense change has been observed in individual(s) with arrhythmogenic cardiomyopathy (Invitae). This sequence change replaces leucine, which is neutral and non-polar, with histidine, which is basic and polar, at codon 85 of the LMNA protein (p.Leu85His).

Literature cited by the submitters: PubMed 10580070; PubMed 11792809; PubMed 11792810; PubMed 17107595.